The following is an entry in ClinVar:

NM_138927.4(SON):c.401A>G (p.Glu134Gly)

Gene: SON (SON DNA and RNA binding protein; plus strand). Cytogenetic location: 21q22.11.
Variant type: single nucleotide variant.
Coding change: c.401A>G on transcript NM_138927.4 (MANE Select); coding-DNA position 401, A replaced by G.
Protein change: p.Glu134Gly; replaces glutamic acid 134 with glycine.
Molecular consequence: missense variant. On other transcripts: non-coding transcript variant (1), intron variant (1).
Genome position (GRCh38, 1-based): chr21:33,549,632, A>G. VCF-style: chr21-33549632-A-G. GRCh37 (hg19) VCF-style: chr21-34921938-A-G.
Other names: c.401A>G, p.Glu134Gly (NM_001291411.2, NM_032195.3); c.244+3253A>G (NM_001291412.3); short protein forms E134G.
Identifiers: ClinVar variation 1449000 (VCV001449000.6), dbSNP rs749091459, ClinGen allele CA10008665.
Genomic context (GRCh38, chr21:33,549,632, plus strand): 5'-ACAAAAACAAAAAGAAGAAAAAGAAGAAAGAAAAGGAAAAAAAATATAAAAGACAGCCAG[A>G]AGAATCTGAGTCAAAGACGAAATCTCATGATGATGGGAACATAGATTTAGAATCTGATTC-3'
Protein context (NP_620305.3, residues 124-144): EKEKKYKRQP[Glu134Gly]ESESKTKSHD

ClinVar aggregate classification (germline): Uncertain significance (1 of 4 stars; one submission).

Allele frequency attached by ClinVar (database versions not stated): gnomAD exomes 0.00001 and 0.00003; ExAC 0.00006.
gnomAD v4.1: 19 of 1,607,614 alleles (0.0012%); highest among the groups gnomAD compares: South Asian, 0.017%; no homozygotes.

Submission:

Labcorp Genetics (formerly Invitae), Labcorp
Classification: Uncertain significance. Last evaluated: 2021-09-20. Review status: criteria provided, single submitter. Criteria: Invitae Variant Classification Sherloc (09022015). Collection method: clinical testing. Allele origin: germline.
Comment: In summary, the available evidence is currently insufficient to determine the role of this variant in disease. Therefore, it has been classified as a Variant of Uncertain Significance. This sequence change replaces glutamic acid with glycine at codon 134 of the SON protein (p.Glu134Gly). The glutamic acid residue is moderately conserved and there is a moderate physicochemical difference between glutamic acid and glycine. The frequency data for this variant in the population databases is considered unreliable, as metrics indicate poor data quality at this position in the ExAC database. This variant has not been reported in the literature in individuals affected with SON-related conditions. Algorithms developed to predict the effect of missense changes on protein structure and function are either unavailable or do not agree on the potential impact of this missense change (SIFT: "Deleterious"; PolyPhen-2: "Probably Damaging"; Align-GVGD: "Class C0").